The following is an entry in ClinVar:

NM_001271938.2(MEGF8):c.8050C>T (p.Arg2684Trp)

Gene: MEGF8 (multiple EGF like domains 8; plus strand). Cytogenetic location: 19q13.2.
Variant type: single nucleotide variant.
Coding change: c.8050C>T on transcript NM_001271938.2 (MANE Select); coding-DNA position 8050, C replaced by T.
Protein change: p.Arg2684Trp; replaces arginine 2684 with tryptophan.
Molecular consequence: missense variant.
Genome position (GRCh38, 1-based): chr19:42,376,287, C>T. VCF-style: chr19-42376287-C-T. GRCh37 (hg19) VCF-style: chr19-42880439-C-T.
Other names: c.7849C>T, p.Arg2617Trp (NM_001410.3); short protein forms R2684W, R2617W.
Identifiers: ClinVar variation 2801875 (VCV002801875.1), dbSNP rs377748543, ClinGen allele CA9476310.

ClinVar aggregate classification (germline): Uncertain significance (1 of 4 stars; one submission).

Conditions:
MEGF8-related Carpenter syndrome. Also called: Carpenter syndrome 2. Identifiers: Orphanet 65759, MedGen C3554247, MONDO:0013998, OMIM 614976.

Allele frequency attached by ClinVar (database versions not stated): ExAC 0.00011; ESP Exome Variant Server 0.00015; gnomAD 0.00015; TOPMed 0.00015.
gnomAD v4.1: 451 of 1,612,076 alleles (0.028%); highest among the groups gnomAD compares: Non-Finnish European, 0.037%; 1 homozygote.

Submission:

Labcorp Genetics (formerly Invitae), Labcorp
Classification: Uncertain significance for MEGF8-related Carpenter syndrome. Last evaluated: 2023-08-27. Review status: criteria provided, single submitter. Criteria: Invitae Variant Classification Sherloc (09022015). Collection method: clinical testing. Allele origin: germline.
Comment: This sequence change replaces arginine, which is basic and polar, with tryptophan, which is neutral and slightly polar, at codon 2617 of the MEGF8 protein (p.Arg2617Trp). In summary, the available evidence is currently insufficient to determine the role of this variant in disease. Therefore, it has been classified as a Variant of Uncertain Significance. An algorithm developed to predict the effect of missense changes on protein structure and function (PolyPhen-2) suggests that this variant is likely to be disruptive. This variant has not been reported in the literature in individuals affected with MEGF8-related conditions. This variant is present in population databases (rs377748543, gnomAD 0.03%).